The following is an entry in ClinVar:

NM_152564.5(VPS13B):c.10087A>T (p.Lys3363Ter)

Gene: VPS13B (vacuolar protein sorting 13 homolog B; plus strand). Cytogenetic location: 8q22.2.
Variant type: single nucleotide variant.
Coding change: c.10087A>T on transcript NM_152564.5 (MANE Select); coding-DNA position 10087, A replaced by T.
Protein change: p.Lys3363Ter; replaces lysine 3363 with a stop codon.
Molecular consequence: nonsense.
Genome position (GRCh38, 1-based): chr8:99,853,476, A>T. VCF-style: chr8-99853476-A-T. GRCh37 (hg19) VCF-style: chr8-100865704-A-T.
Other names: c.10162A>T, p.Lys3388Ter (NM_017890.5); short protein forms K3388*, K3363*.
Identifiers: ClinVar variation 958788 (VCV000958788.7), dbSNP rs1816395005, ClinGen allele CA371780757.

ClinVar aggregate classification (germline): Pathogenic (1 of 4 stars; one submission).

Conditions:
Cohen syndrome (COH1). Also called: Cutis verticis gyrata, retinitis pigmentosa, and sensorineural deafness; PEPPER SYNDROME. Identifiers: Orphanet 193, MedGen C0265223, MONDO:0008999, OMIM 216550.

Submission:

Labcorp Genetics (formerly Invitae), Labcorp
Classification: Pathogenic for Cohen syndrome. Last evaluated: 2019-07-25. Review status: criteria provided, single submitter. Criteria: Invitae Variant Classification Sherloc (09022015). Collection method: clinical testing. Allele origin: germline.
Comment: This variant has not been reported in the literature in individuals with VPS13B-related conditions. This variant is not present in population databases (ExAC no frequency). This sequence change creates a premature translational stop signal (p.Lys3388*) in the VPS13B gene. It is expected to result in an absent or disrupted protein product. Loss-of-function variants in VPS13B are known to be pathogenic (PMID: 15141358, 16648375, 20461111). For these reasons, this variant has been classified as Pathogenic.

Literature cited by the submitters: PubMed 15141358; PubMed 16648375; PubMed 20461111.